The following is an entry in ClinVar:

NM_030777.4(SLC2A10):c.5-116A>G

Gene: SLC2A10 (solute carrier family 2 member 10; plus strand). Cytogenetic location: 20q13.12.
Variant type: single nucleotide variant.
Coding change: c.5-116A>G on transcript NM_030777.4 (MANE Select); 116 bases into the intron before coding-DNA position 5, A replaced by G.
Molecular consequence: intron variant.
Genome position (GRCh38, 1-based): chr20:46,724,925, A>G. VCF-style: chr20-46724925-A-G. GRCh37 (hg19) VCF-style: chr20-45353564-A-G.
Identifiers: ClinVar variation 675389 (VCV000675389.1), dbSNP rs183563269, ClinGen allele CA315754952.

ClinVar aggregate classification (germline): Likely benign (1 of 4 stars; one submission).

Allele frequency attached by ClinVar (database versions not stated): 1000 Genomes Project 30x 0.00250; gnomAD exomes 0.00586; gnomAD 0.00652 and 0.00672.
gnomAD v4.1: 7,810 of 1,324,490 alleles (0.59%); highest among the groups gnomAD compares: Non-Finnish European, 0.7%; 33 homozygotes.

Submission:

GeneDx
Classification: Likely benign. Last evaluated: 2018-06-14. Review status: criteria provided, single submitter. Criteria: GeneDx Variant Classification (06012015). Collection method: clinical testing. Allele origin: germline. Affected: yes.
Comment: This variant is considered likely benign or benign based on one or more of the following criteria: it is a conservative change, it occurs at a poorly conserved position in the protein, it is predicted to be benign by multiple in silico algorithms, and/or has population frequency not consistent with disease.